The following is an entry in ClinVar:

ClinVar aggregate classification (germline): Uncertain significance (0 of 4 stars; one submission).

Conditions:
CHD3-related disorder. Also called: CHD3-related condition.

Submission:

PreventionGenetics, part of Exact Sciences
Classification: Uncertain significance for CHD3-related condition. Last evaluated: 2024-05-10. Review status: no assertion criteria provided. Collection method: clinical testing. Allele origin: germline.
Comment: The CHD3 c.4159C>G variant is predicted to result in the amino acid substitution p.Gln1387Glu. To our knowledge, this variant has not been reported in the literature or in a large population database, indicating this variant is rare. At this time, the clinical significance of this variant is uncertain due to the absence of conclusive functional and genetic evidence.

NM_001005273.3(CHD3):c.3982C>G (p.Gln1328Glu)

Gene: CHD3 (chromodomain helicase DNA binding protein 3; plus strand). Cytogenetic location: 17p13.1.
Variant type: single nucleotide variant.
Coding change: c.3982C>G on transcript NM_001005273.3 (MANE Select); coding-DNA position 3982, C replaced by G.
Protein change: p.Gln1328Glu; replaces glutamine 1328 with glutamic acid.
Molecular consequence: missense variant.
Genome position (GRCh38, 1-based): chr17:7,904,529, C>G. VCF-style: chr17-7904529-C-G. GRCh37 (hg19) VCF-style: chr17-7807847-C-G.
Other names: c.4159C>G, p.Gln1387Glu (NM_001005271.3); c.3982C>G, p.Gln1328Glu (NM_005852.4); short protein forms Q1328E, Q1387E.
Identifiers: ClinVar variation 3344040 (VCV003344040.1).
Genomic context (GRCh38, chr17:7,904,529, plus strand): 5'-AAGCAGGAGGAGAATGTGGACCCTGACTACTGGGAGAAGCTGCTGAGGCATCACTATGAG[C>G]AACAGCAGGAAGACCTAGCCCGGAATCTAGGCAAGGGCAAGCGGGTTCGCAAGCAAGTTA-3'
Protein context (NP_001005273.1, residues 1318-1338): WEKLLRHHYE[Gln1328Glu]QQEDLARNLG